The following is an entry in ClinVar:

ClinVar aggregate classification (germline): Conflicting classifications of pathogenicity. Review status: criteria provided, conflicting classifications (1 of 4 stars). 3 submissions from 3 submitters: Uncertain significance (1); Likely benign (2). Last evaluated 2026-08-17.

Conditions:
APC-related disorder. Also called: APC-related condition.
Familial adenomatous polyposis 1 (FAP1). Also called: FAMILIAL ADENOMATOUS POLYPOSIS 1, ATTENUATED; POLYPOSIS, ADENOMATOUS INTESTINAL. Identifiers: MedGen C2713442, MONDO:0021056, OMIM 175100. Disease mechanism: loss of function.

gnomAD v4.1: 12 of 1,370,640 alleles (0.00088%); highest among the groups gnomAD compares: Middle Eastern, 0.019%; 1 homozygote.

Submissions (3):

PreventionGenetics, part of Exact Sciences
Classification: Likely benign for APC-related condition. Last evaluated: 2026-08-17. Review status: criteria provided, single submitter. Criteria: ACMG Guidelines, 2015. Collection method: clinical testing. Allele origin: germline.
Comment: This variant is classified as likely benign based on ACMG/AMP sequence variant interpretation guidelines (Richards et al. 2015 PMID: 25741868, with internal and published modifications).

Labcorp Genetics (formerly Invitae), Labcorp
Classification: Uncertain significance for Familial adenomatous polyposis 1. Last evaluated: 2026-01-11. Review status: criteria provided, single submitter. Criteria: Invitae Variant Classification Sherloc (09022015). Collection method: clinical testing. Allele origin: germline.
Comment: This variant occurs in a non-coding region of the APC gene. It does not change the encoded amino acid sequence of the APC protein. This variant is not present in population databases (gnomAD no frequency). This variant has not been reported in the literature in individuals affected with APC-related conditions. ClinVar contains an entry for this variant (Variation ID: 469797). Experimental studies and prediction algorithms are not available or were not evaluated, and the functional significance of this variant is currently unknown. In summary, the available evidence is currently insufficient to determine the role of this variant in disease. Therefore, it has been classified as a Variant of Uncertain Significance.

CeGaT Center for Human Genetics Tuebingen
Classification: Likely benign. Last evaluated: 2025-05-01. Review status: criteria provided, single submitter. Criteria: CeGaT Center For Human Genetics Tuebingen Variant Classification Criteria Version 2. Collection method: clinical testing. Allele origin: germline. Affected: yes. Observed: 1 variant allele.
Comment: APC: BP4, BP7

NM_001127511.3(APC):c.48T>G (p.Ser16=)

Gene: APC (APC regulator of Wnt signaling pathway; plus strand). Cytogenetic location: 5q22.2.
Variant type: single nucleotide variant.
Coding change: c.48T>G on transcript NM_001127511.3; coding-DNA position 48, T replaced by G.
Protein change: p.Ser16=; no amino-acid change (serine 16 retained).
Molecular consequence: synonymous variant. On other transcripts: 5 prime UTR variant (8), non-coding transcript variant (1), intron variant (5).
Genome position (GRCh38, 1-based): chr5:112,707,765, T>G. VCF-style: chr5-112707765-T-G. GRCh37 (hg19) VCF-style: chr5-112043462-T-G.
Other names: c.-136T>G (NM_001354895.2, NM_001407447.1, NM_001407452.1 and 3 more transcripts); c.48T>G, p.Ser16= (NM_001354897.2, NM_001354902.2, NM_001407446.1); c.-1171T>G (NM_001407470.1, NM_001407472.1); c.-19+116T>G (NM_001407448.1, NM_001407450.1, NM_001407457.1 and 1 more transcripts); c.-43+116T>G (NM_001407453.1).
Identifiers: ClinVar variation 469797 (VCV000469797.21), dbSNP rs980704771, ClinGen allele CA124925134.